The following is an entry in ClinVar:

ClinVar aggregate classification (germline): Uncertain significance (1 of 4 stars; one submission).

Allele frequency attached by ClinVar (database versions not stated): gnomAD exomes below 0.00001; ExAC 0.00001.

Submission:

Labcorp Genetics (formerly Invitae), Labcorp
Classification: Uncertain significance. Last evaluated: 2023-04-24. Review status: criteria provided, single submitter. Criteria: Invitae Variant Classification Sherloc (09022015). Collection method: clinical testing. Allele origin: germline.
Comment: This sequence change replaces lysine, which is basic and polar, with asparagine, which is neutral and polar, at codon 338 of the TRPM1 protein (p.Lys338Asn). This variant is present in population databases (rs777515514, gnomAD 0.006%). This variant has not been reported in the literature in individuals affected with TRPM1-related conditions. ClinVar contains an entry for this variant (Variation ID: 1359172). Advanced modeling of protein sequence and biophysical properties (such as structural, functional, and spatial information, amino acid conservation, physicochemical variation, residue mobility, and thermodynamic stability) performed at Invitae indicates that this missense variant is not expected to disrupt TRPM1 protein function. In summary, the available evidence is currently insufficient to determine the role of this variant in disease. Therefore, it has been classified as a Variant of Uncertain Significance.

NM_001252024.2(TRPM1):c.1080G>C (p.Lys360Asn)

Gene: TRPM1 (transient receptor potential cation channel subfamily M member 1; minus strand). Cytogenetic location: 15q13.3.
Variant type: single nucleotide variant.
Coding change: c.1080G>C on transcript NM_001252024.2 (MANE Select); coding-DNA position 1080, G replaced by C.
Protein change: p.Lys360Asn; replaces lysine 360 with asparagine.
Molecular consequence: missense variant.
Genome position (GRCh38, 1-based): chr15:31,062,588, C>G on the plus strand (G>C on the coding strand, the complement: TRPM1 is on the minus strand). VCF-style: chr15-31062588-C-G. GRCh37 (hg19) VCF-style: chr15-31354791-C-G.
Other names: c.1131G>C, p.Lys377Asn (NM_001252020.2); c.1014G>C, p.Lys338Asn (NM_002420.6); short protein forms K338N, K377N, K360N.
Identifiers: ClinVar variation 1359172 (VCV001359172.7), dbSNP rs777515514, ClinGen allele CA7452711.